The following is an entry in ClinVar:

NM_201384.3(PLEC):c.5353T>A (p.Ser1785Thr)

Gene: PLEC (plectin; minus strand). Cytogenetic location: 8q24.3.
Variant type: single nucleotide variant.
Coding change: c.5353T>A on transcript NM_201384.3 (MANE Select); coding-DNA position 5353, T replaced by A.
Protein change: p.Ser1785Thr; replaces serine 1785 with threonine.
Molecular consequence: missense variant. On other transcripts: intron variant (1).
Genome position (GRCh38, 1-based): chr8:143,924,576, A>T on the plus strand (T>A on the coding strand, the complement: PLEC is on the minus strand). VCF-style: chr8-143924576-A-T. GRCh37 (hg19) VCF-style: chr8-144998744-A-T.
Other names: c.5434T>A, p.Ser1812Thr (NM_000445.5); c.5311T>A, p.Ser1771Thr (NM_201378.4); c.5287T>A, p.Ser1763Thr (NM_201379.3); c.5764T>A, p.Ser1922Thr (NM_201380.4); c.5257T>A, p.Ser1753Thr (NM_201381.3); c.5353T>A, p.Ser1785Thr (NM_201382.4); c.5365T>A, p.Ser1789Thr (NM_201383.3); c.4126-2181T>A (NM_001410941.1); short protein forms S1763T, S1785T, S1789T, S1812T, S1922T, S1771T, S1753T.
Identifiers: ClinVar variation 2943146 (VCV002943146.3), dbSNP rs2537929401, ClinGen allele CA372545812.

ClinVar aggregate classification (germline): Uncertain significance (1 of 4 stars; one submission).

Conditions:
Epidermolysis bullosa simplex with nail dystrophy (EBS5D). Identifiers: MedGen C4225309, MONDO:0014661, OMIM 616487.
Epidermolysis bullosa simplex, Ogna type (EBS5A). Also called: Pidermolysis bullosa simplex 5A, Ogna type; EPIDERMOLYSIS BULLOSA SIMPLEX 5A, OGNA TYPE. Identifiers: Orphanet 79401, MedGen C0432317, MONDO:0007555, OMIM 131950.
Autosomal recessive limb-girdle muscular dystrophy type 2Q (LGMDR17). Also called: MUSCULAR DYSTROPHY, LIMB-GIRDLE, AUTOSOMAL RECESSIVE 17. Identifiers: Orphanet 254361, MedGen C3150989, MONDO:0013390, OMIM 613723.
Epidermolysis bullosa simplex 5B, with muscular dystrophy (EBS5B). Also called: EPIDERMOLYSIS BULLOSA SIMPLEX AND LIMB-GIRDLE MUSCULAR DYSTROPHY; Epidermolysis bullosa simplex with muscular dystrophy. Identifiers: Orphanet 257, MedGen C2931072, MONDO:0009181, OMIM 226670.
Epidermolysis bullosa simplex 5C, with pyloric atresia (EBS5C). Also called: PLEC-Related Epidermolysis Bullosa with Pyloric Atresia; Epidermolysis bullosa simplex with pyloric atresia; PLEC1-Related Epidermolysis Bullosa with Pyloric Atresia. Identifiers: Orphanet 158684, MedGen C2677349, MONDO:0012807, OMIM 612138.

Submission:

Labcorp Genetics (formerly Invitae), Labcorp
Classification: Uncertain significance for Autosomal recessive limb-girdle muscular dystrophy type 2Q; Epidermolysis bullosa simplex, Ogna type; Epidermolysis bullosa simplex with nail dystrophy; Epidermolysis bullosa simplex 5C, with pyloric atresia; Epidermolysis bullosa simplex 5B, with muscular dystrophy. Last evaluated: 2023-01-13. Review status: criteria provided, single submitter. Criteria: Invitae Variant Classification Sherloc (09022015). Collection method: clinical testing. Allele origin: germline.
Comment: In summary, the available evidence is currently insufficient to determine the role of this variant in disease. Therefore, it has been classified as a Variant of Uncertain Significance. Algorithms developed to predict the effect of missense changes on protein structure and function are either unavailable or do not agree on the potential impact of this missense change (SIFT: "Deleterious"; PolyPhen-2: "Not Available"; Align-GVGD: "Class C55"). This variant has not been reported in the literature in individuals affected with PLEC-related conditions. This variant is not present in population databases (gnomAD no frequency). This sequence change replaces serine, which is neutral and polar, with threonine, which is neutral and polar, at codon 1812 of the PLEC protein (p.Ser1812Thr).